The following is an entry in ClinVar:

NM_033028.5(BBS4):c.706T>C (p.Tyr236His)

Gene: BBS4 (Bardet-Biedl syndrome 4; plus strand). Cytogenetic location: 15q24.1.
Variant type: single nucleotide variant.
Coding change: c.706T>C on transcript NM_033028.5 (MANE Select); coding-DNA position 706, T replaced by C.
Protein change: p.Tyr236His; replaces tyrosine 236 with histidine.
Molecular consequence: missense variant. On other transcripts: non-coding transcript variant (2), intron variant (1).
Genome position (GRCh38, 1-based): chr15:72,729,679, T>C. VCF-style: chr15-72729679-T-C. GRCh37 (hg19) VCF-style: chr15-73022020-T-C.
Other names: c.706T>C (NM_033028.4); c.190T>C, p.Tyr64His (NM_001252678.2); c.643-1626T>C (NM_001320665.2); short protein forms Y236H, Y64H.
Identifiers: ClinVar variation 1481444 (VCV001481444.8), dbSNP rs746172575, ClinGen allele CA7646728.

ClinVar aggregate classification (germline): Uncertain significance. Review status: criteria provided, multiple submitters, no conflicts (2 of 4 stars). 3 submissions from 3 submitters: Uncertain significance (3). Last evaluated 2025-07-31.

Conditions:
Bardet-Biedl syndrome (BBS). Identifiers: Orphanet 110, MedGen C0752166, MONDO:0015229.

Allele frequency attached by ClinVar (database versions not stated): gnomAD exomes below 0.00001; TOPMed below 0.00001; ExAC 0.00001; gnomAD 0.00001.

Submissions (3):

Labcorp Genetics (formerly Invitae), Labcorp
Classification: Uncertain significance for Bardet-Biedl syndrome. Last evaluated: 2025-07-31. Review status: criteria provided, single submitter. Criteria: Invitae Variant Classification Sherloc (09022015). Collection method: clinical testing. Allele origin: germline.
Comment: This sequence change replaces tyrosine, which is neutral and polar, with histidine, which is basic and polar, at codon 236 of the BBS4 protein (p.Tyr236His). This variant is present in population databases (rs746172575, gnomAD 0.0009%). This variant has not been reported in the literature in individuals affected with BBS4-related conditions. ClinVar contains an entry for this variant (Variation ID: 1481444). Invitae Evidence Modeling of protein sequence and biophysical properties (such as structural, functional, and spatial information, amino acid conservation, physicochemical variation, residue mobility, and thermodynamic stability) indicates that this missense variant is not expected to disrupt BBS4 protein function with a negative predictive value of 80%. In summary, the available evidence is currently insufficient to determine the role of this variant in disease. Therefore, it has been classified as a Variant of Uncertain Significance.

Women's Health and Genetics/Laboratory Corporation of America, LabCorp
Classification: Uncertain significance. Last evaluated: 2023-07-25. Review status: criteria provided, single submitter. Criteria: LabCorp Variant Classification Summary - May 2015. Collection method: clinical testing. Allele origin: germline.
Comment: Variant summary: BBS4 c.706T>C (p.Tyr236His) results in a conservative amino acid change in the encoded protein sequence. Three of five in-silico tools predict a benign effect of the variant on protein function. The variant allele was found at a frequency of 4e-06 in 251486 control chromosomes (gnomAD). The available data on variant occurrences in the general population are insufficient to allow any conclusion about variant significance. To our knowledge, no occurrence of c.706T>C in individuals affected with Bardet-Biedl Syndrome and no experimental evidence demonstrating its impact on protein function have been reported. One submitter has cited a clinical-significance assessment for this variant to ClinVar after 2014 and has classified the variant as uncertain significance. Based on the evidence outlined above, the variant was classified as uncertain significance.

Blueprint Genetics
Classification: Uncertain significance. Last evaluated: 2023-04-04. Review status: criteria provided, single submitter. Criteria: ACMG Guidelines, 2015. Collection method: clinical testing. Allele origin: germline.